The following is an entry in ClinVar:

ClinVar aggregate classification (germline): Uncertain significance (1 of 4 stars; one submission).

Conditions:
Inborn genetic diseases. Identifiers: MedGen C0950123, MeSH D030342.

Allele frequency attached by ClinVar (database versions not stated): gnomAD 0.00001.

Submission:

Ambry Genetics
Classification: Uncertain significance for Inborn genetic diseases. Last evaluated: 2020-10-12. Review status: criteria provided, single submitter. Criteria: Ambry Variant Classification Scheme 2023. Collection method: clinical testing. Allele origin: germline.
Comment: The c.3052C>G (p.P1018A) alteration is located in exon 8 (coding exon 8) of the ZNF292 gene. This alteration results from a C to G substitution at nucleotide position 3052, causing the proline (P) at amino acid position 1018 to be replaced by an alanine (A). Based on data from the Genome Aggregation Database (gnomAD) database, the ZNF292 c.3052C>G alteration was observed in 0% (1/31390) of total alleles studied. This amino acid position is not well conserved in available vertebrate species. The p.P1018A alteration is predicted to be tolerated by in silico analysis. Based on insufficient or conflicting evidence, the clinical significance of this alteration remains unclear.

NM_015021.3(ZNF292):c.3052C>G (p.Pro1018Ala)

Gene: ZNF292 (zinc finger protein 292; plus strand). Cytogenetic location: 6q14.3.
Variant type: single nucleotide variant.
Coding change: c.3052C>G on transcript NM_015021.3 (MANE Select); coding-DNA position 3052, C replaced by G.
Protein change: p.Pro1018Ala; replaces proline 1018 with alanine.
Molecular consequence: missense variant.
Genome position (GRCh38, 1-based): chr6:87,256,681, C>G. VCF-style: chr6-87256681-C-G. GRCh37 (hg19) VCF-style: chr6-87966399-C-G.
Other names: c.2632C>G, p.Pro878Ala (NM_001351444.2); short protein forms P878A, P1018A.
Identifiers: ClinVar variation 2227948 (VCV002227948.2), dbSNP rs770353249, ClinGen allele CA364919926.